The following is an entry in ClinVar:

NM_000431.4(MVK):c.371+1GT[4]

Gene: MVK (mevalonate kinase; plus strand). Cytogenetic location: 12q24.11.
Variant type: Microsatellite.
Coding change: c.371+1GT[4] on transcript NM_000431.4 (MANE Select); four copies in a row of the 2-base unit GT starting at c.371+1.
Molecular consequence: splice donor variant.
Genome position: GRCh38 VCF-style: chr12-109579946-G-GGT. GRCh37 (hg19) VCF-style: chr12-110017751-G-GGT.
Other names: c.371+6_371+7dupTG (NM_000431.3); c.371+6_371+7dup (NM_000431.4); c.371+1GT[4] (NM_001301182.2, NM_001114185.3).
Identifiers: ClinVar variation 641952 (VCV000641952.8), dbSNP rs1337419856, ClinGen allele CA607287461.

ClinVar aggregate classification (germline): Uncertain significance. Review status: criteria provided, multiple submitters, no conflicts (2 of 4 stars). 2 submissions from 2 submitters: Uncertain significance (2). Last evaluated 2024-05-02.

Conditions:
Hyperimmunoglobulin D with periodic fever (HIDS). Also called: Hyperimmunoglobulinemia D; Hyperimmunoglobulinemia D with periodic fever; HYPERIMMUNOGLOBULINEMIA D AND PERIODIC FEVER SYNDROME. Identifiers: Orphanet 343, MedGen C0398691, MONDO:0009849, OMIM 260920.
Mevalonic aciduria (MEVA). Identifiers: Orphanet 29, MedGen C1959626, MONDO:0012481, OMIM 610377.
Porokeratosis 3, disseminated superficial actinic type (POROK3). Also called: POROKERATOSIS, DISSEMINATED SUPERFICIAL ACTINIC, 1; POROKERATOSIS 3, MULTIPLE TYPES; POROKERATOSIS 3, MIBELLI TYPE. Identifiers: MedGen C1867981, MONDO:0008293, OMIM 175900.

Submissions (2):

Labcorp Genetics (formerly Invitae), Labcorp
Classification: Uncertain significance for Mevalonic aciduria; Hyperimmunoglobulin D with periodic fever; Porokeratosis 3, disseminated superficial actinic type. Last evaluated: 2024-05-02. Review status: criteria provided, single submitter. Criteria: Invitae Variant Classification Sherloc (09022015). Collection method: clinical testing. Allele origin: germline.
Comment: This sequence change falls in intron 4 of the MVK gene. It does not directly change the encoded amino acid sequence of the MVK protein. It affects a nucleotide within the consensus splice site. This variant is present in population databases (no rsID available, gnomAD 0.003%). This variant has not been reported in the literature in individuals affected with MVK-related conditions. ClinVar contains an entry for this variant (Variation ID: 641952). Variants that disrupt the consensus splice site are a relatively common cause of aberrant splicing (PMID: 17576681, 9536098). Algorithms developed to predict the effect of sequence changes on RNA splicing suggest that this variant is not likely to affect RNA splicing. In summary, the available evidence is currently insufficient to determine the role of this variant in disease. Therefore, it has been classified as a Variant of Uncertain Significance.

Fulgent Genetics
Classification: Uncertain significance for Porokeratosis 3, disseminated superficial actinic type; Hyperimmunoglobulin D with periodic fever; Mevalonic aciduria. Last evaluated: 2021-12-30. Review status: criteria provided, single submitter. Criteria: ACMG Guidelines, 2015. Collection method: clinical testing. Allele origin: unknown.

Literature cited by the submitters: PubMed 17576681 (cited by Labcorp Genetics (formerly Invitae), Labcorp); PubMed 9536098 (cited by Labcorp Genetics (formerly Invitae), Labcorp).